The following is an entry in ClinVar:

ClinVar aggregate classification (germline): Uncertain significance (1 of 4 stars; one submission).

Conditions:
Neuropathy, hereditary sensory and autonomic, type 2A (HSAN2A). Also called: ACROOSTEOLYSIS, GIACCAI TYPE; ACROOSTEOLYSIS, NEUROGENIC; MORVAN DISEASE; NEUROPATHY, CONGENITAL SENSORY; NEUROPATHY, HEREDITARY SENSORY RADICULAR, AUTOSOMAL RECESSIVE; NEUROPATHY, HEREDITARY SENSORY, TYPE IIA. Identifiers: Orphanet 970, MedGen C2752089, MONDO:0024309, OMIM 201300.
Generalized epilepsy with febrile seizures plus, type 7 (GEFSP7). Also called: GEFS+, TYPE 7. Identifiers: Orphanet 36387, MedGen C2751778, MONDO:0013470, OMIM 613863.

Submission:

Labcorp Genetics (formerly Invitae), Labcorp
Classification: Uncertain significance for Neuropathy, hereditary sensory and autonomic, type 2A; Generalized epilepsy with febrile seizures plus, type 7. Last evaluated: 2024-06-25. Review status: criteria provided, single submitter. Criteria: Invitae Variant Classification Sherloc (09022015). Collection method: clinical testing. Allele origin: germline.
Comment: This sequence change replaces isoleucine, which is neutral and non-polar, with asparagine, which is neutral and polar, at codon 1733 of the SCN9A protein (p.Ile1733Asn). This variant is not present in population databases (gnomAD no frequency). This variant has not been reported in the literature in individuals affected with SCN9A-related conditions. Advanced modeling of protein sequence and biophysical properties (such as structural, functional, and spatial information, amino acid conservation, physicochemical variation, residue mobility, and thermodynamic stability) has been performed at Invitae for this missense variant, however the output from this modeling did not meet the statistical confidence thresholds required to predict the impact of this variant on SCN9A protein function. In summary, the available evidence is currently insufficient to determine the role of this variant in disease. Therefore, it has been classified as a Variant of Uncertain Significance.

NM_001365536.1(SCN9A):c.5231T>A (p.Ile1744Asn)

Genes: SCN9A (sodium voltage-gated channel alpha subunit 9; minus strand), SCN1A-AS1 (SCN1A and SCN9A antisense RNA 1; plus strand). Cytogenetic location: 2q24.3.
Variant type: single nucleotide variant.
Coding change: c.5231T>A on transcript NM_001365536.1 (MANE Select); coding-DNA position 5231, T replaced by A.
Protein change: p.Ile1744Asn; replaces isoleucine 1744 with asparagine.
Molecular consequence: missense variant.
Genome position (GRCh38, 1-based): chr2:166,199,408, A>T on the plus strand (T>A on the coding strand, the complement: SCN9A is on the minus strand). VCF-style: chr2-166199408-A-T. GRCh37 (hg19) VCF-style: chr2-167055918-A-T.
Other names: c.5198T>A, p.Ile1733Asn (NM_002977.4); short protein forms I1744N, I1733N.
Identifiers: ClinVar variation 2941150 (VCV002941150.3), dbSNP rs2468877300, ClinGen allele CA349054088.
Genomic context (GRCh38, chr2:166,199,408, plus strand): 5'-CTAAAATTCTCCAGTATGACTGCAATGTACATGTTCACCACAACCAGGAAGGATATGATG[A>T]TATAACTAACAAAGTAGAATATTCCAACAGATGGGTTACCACAGTCTCCTTCAACTGAAC-3'
Protein context (NP_001352465.1, residues 1734-1754): SVGIFYFVSY[Ile1744Asn]IISFLVVVNM